The following is an entry in ClinVar:

ClinVar aggregate classification (germline): Likely benign (0 of 4 stars; one submission).

Conditions:
PLXNA1-related disorder. Also called: PLXNA1-related condition.

gnomAD v4.1: 20 of 1,611,848 alleles (0.0012%); highest among the groups gnomAD compares: Non-Finnish European, 0.0016%; no homozygotes.

Submission:

PreventionGenetics, part of Exact Sciences
Classification: Likely benign for PLXNA1-related condition. Last evaluated: 2022-04-28. Review status: no assertion criteria provided. Collection method: clinical testing. Allele origin: germline.
Comment: This variant is classified as likely benign based on ACMG/AMP sequence variant interpretation guidelines (Richards et al. 2015 PMID: 25741868, with internal and published modifications).

NM_032242.4(PLXNA1):c.2778C>T (p.Asp926=)

Gene: PLXNA1 (plexin A1; plus strand). Cytogenetic location: 3q21.3.
Variant type: single nucleotide variant.
Coding change: c.2778C>T on transcript NM_032242.4 (MANE Select); coding-DNA position 2778, C replaced by T.
Protein change: p.Asp926=; no amino-acid change (aspartic acid 926 retained).
Molecular consequence: synonymous variant.
Genome position (GRCh38, 1-based): chr3:127,014,732, C>T. VCF-style: chr3-127014732-C-T. GRCh37 (hg19) VCF-style: chr3-126733575-C-T.
Identifiers: ClinVar variation 3351942 (VCV003351942.1).